The following is an entry in ClinVar:

NM_001005337.3(PKP1):c.208A>G (p.Met70Val)

Gene: PKP1 (plakophilin 1; plus strand). Cytogenetic location: 1q32.1.
Variant type: single nucleotide variant.
Coding change: c.208A>G on transcript NM_001005337.3 (MANE Select); coding-DNA position 208, A replaced by G.
Protein change: p.Met70Val; replaces methionine 70 with valine.
Molecular consequence: missense variant.
Genome position (GRCh38, 1-based): chr1:201,293,947, A>G. VCF-style: chr1-201293947-A-G. GRCh37 (hg19) VCF-style: chr1-201263075-A-G.
Other names: c.208A>G, p.Met70Val (NM_000299.4); short protein forms M70V.
Identifiers: ClinVar variation 3548644 (VCV003548644.2).
Genomic context (GRCh38, chr1:201,293,947, plus strand): 5'-GGGGTGGATGAAGATCATGGCCATCCCTGTCCTAATCCCCTCCTTTCTCCTCTAGGTTCC[A>G]TGTATGATGGCTTGGCTGACAATTACAACTATGGGACCACCAGCAGGAGCAGCTACTACT-3'
Protein context (NP_001005337.1, residues 60-80): STLSHSNRGS[Met70Val]YDGLADNYNY

ClinVar aggregate classification (germline): Uncertain significance. Review status: criteria provided, multiple submitters, no conflicts (2 of 4 stars). 2 submissions from 2 submitters: Uncertain significance (2). Last evaluated 2024-07-11.

Conditions:
Epidermolysis bullosa simplex due to plakophilin deficiency. Also called: MCGRATH SYNDROME. Identifiers: Orphanet 158668, MedGen C1858302, MONDO:0011472, OMIM 604536.

gnomAD v4.1: 51 of 1,610,472 alleles (0.0032%); highest among the groups gnomAD compares: Non-Finnish European, 0.0042%; no homozygotes.

Submissions (2):

GeneDx
Classification: Uncertain significance. Last evaluated: 2024-07-11. Review status: criteria provided, single submitter. Criteria: GeneDx Variant Classification Process June 2021. Collection method: clinical testing. Allele origin: germline. Affected: yes.
Comment: In silico analysis indicates that this missense variant does not alter protein structure/function; Has not been previously published as pathogenic or benign to our knowledge

Fulgent Genetics
Classification: Uncertain significance for Epidermolysis bullosa simplex due to plakophilin deficiency. Last evaluated: 2024-06-18. Review status: criteria provided, single submitter. Criteria: ACMG Guidelines, 2015. Collection method: clinical testing. Allele origin: germline.